The following is an entry in ClinVar:

ClinVar aggregate classification (germline): Uncertain significance (1 of 4 stars; one submission).

Allele frequency attached by ClinVar (database versions not stated): gnomAD exomes below 0.00001.
gnomAD v4.1: 1 of 1,595,704 alleles (0.000063%); highest among the groups gnomAD compares: Non-Finnish European, 0.000085%; no homozygotes.

Submission:

Labcorp Genetics (formerly Invitae), Labcorp
Classification: Uncertain significance. Last evaluated: 2022-01-11. Review status: criteria provided, single submitter. Criteria: Invitae Variant Classification Sherloc (09022015). Collection method: clinical testing. Allele origin: germline.
Comment: In summary, the available evidence is currently insufficient to determine the role of this variant in disease. Therefore, it has been classified as a Variant of Uncertain Significance. Variants that disrupt the consensus splice site are a relatively common cause of aberrant splicing (PMID: 17576681, 9536098). Algorithms developed to predict the effect of sequence changes on RNA splicing suggest that this variant may disrupt the consensus splice site. Algorithms developed to predict the effect of missense changes on protein structure and function (SIFT, PolyPhen-2, Align-GVGD) all suggest that this variant is likely to be disruptive. This variant has not been reported in the literature in individuals affected with TRMT5-related conditions. This variant is not present in population databases (gnomAD no frequency). This sequence change replaces glycine, which is neutral and non-polar, with cysteine, which is neutral and slightly polar, at codon 223 of the TRMT5 protein (p.Gly223Cys). This variant also falls at the last nucleotide of exon 2, which is part of the consensus splice site for this exon.

Literature cited by the submitters: PubMed 17576681; PubMed 9536098.

NM_020810.3(TRMT5):c.667G>T (p.Gly223Cys)

Gene: TRMT5 (tRNA methyltransferase 5; minus strand). Cytogenetic location: 14q23.1.
Variant type: single nucleotide variant.
Coding change: c.667G>T on transcript NM_020810.3 (MANE Select); coding-DNA position 667, G replaced by T.
Protein change: p.Gly223Cys; replaces glycine 223 with cysteine.
Molecular consequence: missense variant.
Genome position (GRCh38, 1-based): chr14:60,979,231, C>A on the plus strand (G>T on the coding strand, the complement: TRMT5 is on the minus strand). VCF-style: chr14-60979231-C-A. GRCh37 (hg19) VCF-style: chr14-61445949-C-A.
Other names: c.751G>T, p.Gly251Cys (NM_001350253.1); c.748G>T, p.Gly250Cys (NM_001350254.1); short protein forms G223C, G250C, G251C.
Identifiers: ClinVar variation 2418207 (VCV002418207.6), dbSNP rs2036887412, ClinGen allele CA389920414.